The following is an entry in ClinVar:

NM_001963.6(EGF):c.2039C>T (p.Thr680Ile)

Gene: EGF (epidermal growth factor; plus strand). Cytogenetic location: 4q25.
Variant type: single nucleotide variant.
Coding change: c.2039C>T on transcript NM_001963.6 (MANE Select); coding-DNA position 2039, C replaced by T.
Protein change: p.Thr680Ile; replaces threonine 680 with isoleucine.
Molecular consequence: missense variant.
Genome position (GRCh38, 1-based): chr4:109,976,221, C>T. VCF-style: chr4-109976221-C-T. GRCh37 (hg19) VCF-style: chr4-110897377-C-T.
Other names: c.2039C>T (NM_001963.4); c.2039C>T, p.Thr680Ile (NM_001178130.3); c.1913C>T, p.Thr638Ile (NM_001178131.3, NM_001357021.2); short protein forms T680I, T638I.
Identifiers: ClinVar variation 2074960 (VCV002074960.5), dbSNP rs199792745, ClinGen allele CA3043856.

ClinVar aggregate classification (germline): Uncertain significance. Review status: criteria provided, multiple submitters, no conflicts (2 of 4 stars). 2 submissions from 2 submitters: Uncertain significance (2). Last evaluated 2025-05-03.

Allele frequency attached by ClinVar (database versions not stated): gnomAD exomes below 0.00001; ESP Exome Variant Server 0.00008; 1000 Genomes Project 30x 0.00016; gnomAD 0.00005; 1000 Genomes Project 0.00020; ExAC 0.00002; TOPMed 0.00004.
gnomAD v4.1: 13 of 1,613,896 alleles (0.00081%); highest among the groups gnomAD compares: African/African-American, 0.011%; no homozygotes.

Submissions (2):

Ambry Genetics
Classification: Uncertain significance. Last evaluated: 2025-05-03. Review status: criteria provided, single submitter. Criteria: Ambry Variant Classification Scheme 2023. Collection method: clinical testing. Allele origin: germline.

Labcorp Genetics (formerly Invitae), Labcorp
Classification: Uncertain significance. Last evaluated: 2022-04-06. Review status: criteria provided, single submitter. Criteria: Invitae Variant Classification Sherloc (09022015). Collection method: clinical testing. Allele origin: germline.
Comment: This sequence change replaces threonine, which is neutral and polar, with isoleucine, which is neutral and non-polar, at codon 680 of the EGF protein (p.Thr680Ile). This variant is present in population databases (rs199792745, gnomAD 0.02%). This variant has not been reported in the literature in individuals affected with EGF-related conditions. Algorithms developed to predict the effect of missense changes on protein structure and function output the following: SIFT: "Not Available"; PolyPhen-2: "Benign"; Align-GVGD: "Not Available". The isoleucine amino acid residue is found in multiple mammalian species, which suggests that this missense change does not adversely affect protein function. In summary, the available evidence is currently insufficient to determine the role of this variant in disease. Therefore, it has been classified as a Variant of Uncertain Significance.